The following is an entry in ClinVar:

NM_001943.5(DSG2):c.1101A>G (p.Lys367=)

Gene: DSG2 (desmoglein 2; plus strand). Cytogenetic location: 18q12.1.
Variant type: single nucleotide variant.
Coding change: c.1101A>G on transcript NM_001943.5 (MANE Select); coding-DNA position 1101, A replaced by G.
Protein change: p.Lys367=; no amino-acid change (lysine 367 retained).
Molecular consequence: synonymous variant.
Genome position (GRCh38, 1-based): chr18:31,531,073, A>G. VCF-style: chr18-31531073-A-G. GRCh37 (hg19) VCF-style: chr18-29111036-A-G.
Identifiers: ClinVar variation 2810200 (VCV002810200.3), dbSNP rs2073194760, ClinGen allele CA503765751.
Genomic context (GRCh38, chr18:31,531,073, plus strand): 5'-TCTTGACTTCAGTGTTATTGTCGCTAATAAAGCAGCTTTTCACAAGTCGATTAGGAGTAA[A>G]TACAAGCCTACACCCATTCCCATCAAGGTCAAAGTGAAAAATGTGAAAGAAGGCATTCAT-3'
Protein context (NP_001934.2, residues 357-377): KAAFHKSIRS[Lys367=]YKPTPIPIKV

ClinVar aggregate classification (germline): Uncertain significance (1 of 4 stars; one submission).

Conditions:
Arrhythmogenic right ventricular dysplasia 10. Also called: Arrhythmogenic Right Ventricular Dysplasia/Cardiomyopathy10; ARRHYTHMOGENIC RIGHT VENTRICULAR DYSPLASIA, FAMILIAL, 10; Arrhythmogenic right ventricular dysplasia/cardiomyopathy, type 10. Identifiers: MedGen C1857777, MONDO:0012434, OMIM 610193.

Allele frequency attached by ClinVar (database versions not stated): TOPMed below 0.00001.

Submission:

Labcorp Genetics (formerly Invitae), Labcorp
Classification: Uncertain significance for Arrhythmogenic right ventricular dysplasia 10. Last evaluated: 2022-10-27. Review status: criteria provided, single submitter. Criteria: Invitae Variant Classification Sherloc (09022015). Collection method: clinical testing. Allele origin: germline.
Comment: In summary, the available evidence is currently insufficient to determine the role of this variant in disease. Therefore, it has been classified as a Variant of Uncertain Significance. Algorithms developed to predict the effect of sequence changes on RNA splicing suggest that this variant may create or strengthen a splice site. This variant has not been reported in the literature in individuals affected with DSG2-related conditions. This variant is not present in population databases (gnomAD no frequency). This sequence change affects codon 367 of the DSG2 mRNA. It is a 'silent' change, meaning that it does not change the encoded amino acid sequence of the DSG2 protein.